The following is an entry in ClinVar:

ClinVar aggregate classification (germline): Uncertain significance (1 of 4 stars; one submission).

Allele frequency attached by ClinVar (database versions not stated): ExAC 0.00001; gnomAD 0.00002; TOPMed 0.00002; gnomAD exomes 0.00005; ESP Exome Variant Server 0.00008.

Submission:

Labcorp Genetics (formerly Invitae), Labcorp
Classification: Uncertain significance. Last evaluated: 2023-01-19. Review status: criteria provided, single submitter. Criteria: Invitae Variant Classification Sherloc (09022015). Collection method: clinical testing. Allele origin: germline.
Comment: In summary, the available evidence is currently insufficient to determine the role of this variant in disease. Therefore, it has been classified as a Variant of Uncertain Significance. Algorithms developed to predict the effect of missense changes on protein structure and function are either unavailable or do not agree on the potential impact of this missense change (SIFT: "Tolerated"; PolyPhen-2: "Possibly Damaging"; Align-GVGD: "Class C0"). This variant has not been reported in the literature in individuals affected with CTR9-related conditions. This variant is present in population databases (rs374177205, gnomAD 0.003%). This sequence change replaces aspartic acid, which is acidic and polar, with valine, which is neutral and non-polar, at codon 1170 of the CTR9 protein (p.Asp1170Val).

NM_014633.5(CTR9):c.3509A>T (p.Asp1170Val)

Gene: CTR9 (CTR9 component of Paf1/RNA polymerase II complex; plus strand). Cytogenetic location: 11p15.4.
Variant type: single nucleotide variant.
Coding change: c.3509A>T on transcript NM_014633.5 (MANE Select); coding-DNA position 3509, A replaced by T.
Protein change: p.Asp1170Val; replaces aspartic acid 1170 with valine.
Molecular consequence: missense variant.
Genome position (GRCh38, 1-based): chr11:10,779,092, A>T. VCF-style: chr11-10779092-A-T. GRCh37 (hg19) VCF-style: chr11-10800639-A-T.
Other names: c.3437A>T, p.Asp1146Val (NM_001346279.2); short protein forms D1170V, D1146V.
Identifiers: ClinVar variation 2169954 (VCV002169954.4), dbSNP rs374177205, ClinGen allele CA5885607.